The following is an entry in ClinVar:

ClinVar aggregate classification (germline): Likely benign. Review status: criteria provided, multiple submitters, no conflicts (2 of 4 stars). 3 submissions from 3 submitters: Likely benign (2). 1 of the submissions does not count toward it. Last evaluated 2025-12-30.

Conditions:
VAV1-related disorder. Also called: VAV1-related condition.

Allele frequency attached by ClinVar (database versions not stated): ExAC 0.00035; TOPMed 0.00038; gnomAD 0.00039; ESP Exome Variant Server 0.00069.
gnomAD v4.1: 840 of 1,614,046 alleles (0.052%); highest among the groups gnomAD compares: Non-Finnish European, 0.065%; no homozygotes.

Submissions (3):

Labcorp Genetics (formerly Invitae), Labcorp
Classification: Likely benign. Last evaluated: 2025-12-30. Review status: criteria provided, single submitter. Criteria: Invitae Variant Classification Sherloc (09022015). Collection method: clinical testing. Allele origin: germline.

CeGaT Center for Human Genetics Tuebingen
Classification: Likely benign. Last evaluated: 2022-11-01. Review status: criteria provided, single submitter. Criteria: CeGaT Center For Human Genetics Tuebingen Variant Classification Criteria Version 2. Collection method: clinical testing. Allele origin: germline. Affected: yes. Observed: 1 variant allele.
Comment: VAV1: BP4, BP7

PreventionGenetics, part of Exact Sciences
Classification: Likely benign for VAV1-related condition. Last evaluated: 2019-02-19. Review status: no assertion criteria provided. Collection method: clinical testing. Allele origin: germline. Not counted in ClinVar's aggregate classification.
Comment: This variant is classified as likely benign based on ACMG/AMP sequence variant interpretation guidelines (Richards et al. 2015 PMID: 25741868, with internal and published modifications).

NM_005428.4(VAV1):c.360C>T (p.Ile120=)

Gene: VAV1 (vav guanine nucleotide exchange factor 1; plus strand). Cytogenetic location: 19p13.3.
Variant type: single nucleotide variant.
Coding change: c.360C>T on transcript NM_005428.4 (MANE Select); coding-DNA position 360, C replaced by T.
Protein change: p.Ile120=; no amino-acid change (isoleucine 120 retained).
Molecular consequence: synonymous variant.
Genome position (GRCh38, 1-based): chr19:6,821,660, C>T. VCF-style: chr19-6821660-C-T. GRCh37 (hg19) VCF-style: chr19-6821671-C-T.
Other names: c.360C>T, p.Ile120= (NM_001258206.2, NM_001258207.2).
Identifiers: ClinVar variation 710977 (VCV000710977.33), dbSNP rs141823895, ClinGen allele CA9132193.